The following is an entry in ClinVar:

ClinVar aggregate classification (germline): Uncertain significance (1 of 4 stars; one submission).

Conditions:
Catecholaminergic polymorphic ventricular tachycardia 1. Also called: VENTRICULAR TACHYCARDIA, CATECHOLAMINERGIC POLYMORPHIC, 1, WITH OR WITHOUT ATRIAL DYSFUNCTION AND/OR DILATED CARDIOMYOPATHY; RYR2-Related Catecholaminergic Polymorphic Ventricular Tachycardia; VENTRICULAR TACHYCARDIA, STRESS-INDUCED POLYMORPHIC 1. Identifiers: Orphanet 3286, MedGen C1631597, MONDO:0011484, OMIM 604772.

Submission:

Labcorp Genetics (formerly Invitae), Labcorp
Classification: Uncertain significance for Catecholaminergic polymorphic ventricular tachycardia 1. Last evaluated: 2021-01-05. Review status: criteria provided, single submitter. Criteria: Invitae Variant Classification Sherloc (09022015). Collection method: clinical testing. Allele origin: germline.
Comment: In summary, the available evidence is currently insufficient to determine the role of this variant in disease. Therefore, it has been classified as a Variant of Uncertain Significance. Advanced modeling of protein sequence and biophysical properties (such as structural, functional, and spatial information, amino acid conservation, physicochemical variation, residue mobility, and thermodynamic stability) performed at Invitae indicates that this missense variant is not expected to disrupt RYR2 protein function. This variant has not been reported in the literature in individuals with RYR2-related conditions. This variant is not present in population databases (ExAC no frequency). This sequence change replaces isoleucine with asparagine at codon 865 of the RYR2 protein (p.Ile865Asn). The isoleucine residue is moderately conserved and there is a large physicochemical difference between isoleucine and asparagine.

NM_001035.3(RYR2):c.2594T>A (p.Ile865Asn)

Gene: RYR2 (ryanodine receptor 2; plus strand). Cytogenetic location: 1q43.
Variant type: single nucleotide variant.
Coding change: c.2594T>A on transcript NM_001035.3 (MANE Select); coding-DNA position 2594, T replaced by A.
Protein change: p.Ile865Asn; replaces isoleucine 865 with asparagine.
Molecular consequence: missense variant.
Genome position (GRCh38, 1-based): chr1:237,503,486, T>A. VCF-style: chr1-237503486-T-A. GRCh37 (hg19) VCF-style: chr1-237666786-T-A.
Other names: short protein forms I865N.
Identifiers: ClinVar variation 1475275 (VCV001475275.9), dbSNP rs2150494586, ClinGen allele CA345379626.